The following is an entry in ClinVar:

ClinVar aggregate classification (germline): Likely benign. Review status: criteria provided, multiple submitters, no conflicts (2 of 4 stars). 3 submissions from 3 submitters: Likely benign (3). Last evaluated 2026-06-01.

Allele frequency attached by ClinVar (database versions not stated): gnomAD exomes 0.00005 and 0.00002; ExAC 0.00007; gnomAD 0.00007 and 0.00008; ESP Exome Variant Server 0.00015; TOPMed 0.00003.
gnomAD v4.1: 49 of 1,613,902 alleles (0.003%); highest among the groups gnomAD compares: Admixed American, 0.005%; no homozygotes.

Submissions (3):

CeGaT Center for Human Genetics Tuebingen
Classification: Likely benign. Last evaluated: 2026-06-01. Review status: criteria provided, single submitter. Criteria: CeGaT Center For Human Genetics Tuebingen Variant Classification Criteria Version 2. Collection method: clinical testing. Allele origin: germline. Affected: yes. Observed: 2 variant alleles.
Comment: CLTC: BP4, BP7

Labcorp Genetics (formerly Invitae), Labcorp
Classification: Likely benign. Last evaluated: 2025-08-10. Review status: criteria provided, single submitter. Criteria: Invitae Variant Classification Sherloc (09022015). Collection method: clinical testing. Allele origin: germline.

Blueprint Genetics
Classification: Likely benign. Last evaluated: 2024-04-04. Review status: criteria provided, single submitter. Criteria: ACMG Guidelines, 2015. Collection method: clinical testing. Allele origin: germline.

NM_004859.4(CLTC):c.4716C>T (p.Thr1572=)

Gene: CLTC (clathrin heavy chain; plus strand). Cytogenetic location: 17q23.1.
Variant type: single nucleotide variant.
Coding change: c.4716C>T on transcript NM_004859.4 (MANE Select); coding-DNA position 4716, C replaced by T.
Protein change: p.Thr1572=; no amino-acid change (threonine 1572 retained).
Molecular consequence: synonymous variant.
Genome position (GRCh38, 1-based): chr17:59,685,697, C>T. VCF-style: chr17-59685697-C-T. GRCh37 (hg19) VCF-style: chr17-57763058-C-T.
Other names: c.4728C>T, p.Thr1576= (NM_001288653.2).
Identifiers: ClinVar variation 1595236 (VCV001595236.31), dbSNP rs149456767, ClinGen allele CA8681791.